The following is an entry in ClinVar:

ClinVar aggregate classification (germline): Uncertain significance. Review status: criteria provided, multiple submitters, no conflicts (2 of 4 stars). 2 submissions from 2 submitters: Uncertain significance (2). Last evaluated 2024-08-02.

Conditions:
Cardiovascular phenotype. Identifiers: MedGen CN230736.
Hereditary cancer-predisposing syndrome. Also called: Hereditary neoplastic syndrome; Hereditary Cancer Syndrome; Neoplastic Syndromes, Hereditary; Tumor predisposition. Identifiers: Orphanet 140162, MedGen C0027672, MeSH D009386, MONDO:0015356.
LZTR1-related schwannomatosis. Also called: Schwannomatosis 2; Schwannomatosis-2, susceptibility to. Identifiers: Orphanet 93921, MedGen C3810283, MONDO:0014299, OMIM 615670.
Noonan syndrome 10 (NS10). Identifiers: Orphanet 648, MedGen C4225280, MONDO:0014693, OMIM 616564.
Noonan syndrome 2 (NS2). Identifiers: Orphanet 648, MedGen C1854469, MONDO:0011531, OMIM 605275.

Submissions (2):

Ambry Genetics
Classification: Uncertain significance for Cardiovascular phenotype; Hereditary cancer-predisposing syndrome. Last evaluated: 2024-08-02. Review status: criteria provided, single submitter. Criteria: Ambry Variant Classification Scheme 2023. Collection method: clinical testing. Allele origin: germline.
Comment: The p.A25P variant (also known as c.73G>C), located in coding exon 1 of the LZTR1 gene, results from a G to C substitution at nucleotide position 73. The alanine at codon 25 is replaced by proline, an amino acid with highly similar properties. This amino acid position is conserved. In addition, the in silico prediction for this alteration is inconclusive. Based on the available evidence, the clinical significance of this variant remains unclear.

Juno Genomics, Hangzhou Juno Genomics, Inc
Classification: Uncertain significance for LZTR1-related schwannomatosis; Noonan syndrome 2; Noonan syndrome 10. Review status: criteria provided, single submitter. Criteria: ACMG Guidelines, 2015. Collection method: clinical testing. Allele origin: germline.
Comment: Absent from controls (or at extremely low frequency if recessive) in Genome Aggregation Database.

NM_006767.4(LZTR1):c.73G>C (p.Ala25Pro)

Genes: LZTR1 (leucine zipper like post translational regulator 1; plus strand), LOC130067016 (ATAC-STARR-seq lymphoblastoid silent region 13504; plus strand). Cytogenetic location: 22q11.21.
Variant type: single nucleotide variant.
Coding change: c.73G>C on transcript NM_006767.4 (MANE Select); coding-DNA position 73, G replaced by C.
Protein change: p.Ala25Pro; replaces alanine 25 with proline.
Molecular consequence: missense variant.
Genome position (GRCh38, 1-based): chr22:20,982,444, G>C. VCF-style: chr22-20982444-G-C. GRCh37 (hg19) VCF-style: chr22-21336733-G-C.
Other names: short protein forms A25P.
Identifiers: ClinVar variation 3541594 (VCV003541594.3).
Genomic context (GRCh38, chr22:20,982,444, plus strand): 5'-GGCAGCACGGGGGGGCAGATCGGGGCTGCGGCCCTGGCAGGCGGCGCGCGGTCCAAGGTA[G>C]CCCCGAGCGTGGACTTCGACCATAGCTGCTCGGACAGTGTCGAGTACCTGACGCTCAACT-3'
Protein context (NP_006758.2, residues 15-35): ALAGGARSKV[Ala25Pro]PSVDFDHSCS